The following is an entry in ClinVar:

ClinVar aggregate classification (germline): Uncertain significance. Review status: criteria provided, multiple submitters, no conflicts (2 of 4 stars). 2 submissions from 2 submitters: Uncertain significance (2). Last evaluated 2023-03-27.

Conditions:
Inborn genetic diseases. Identifiers: MedGen C0950123, MeSH D030342.

Allele frequency attached by ClinVar (database versions not stated): TOPMed below 0.00001; ExAC 0.00002; gnomAD exomes 0.00003.
gnomAD v4.1: 46 of 1,614,102 alleles (0.0028%); highest among the groups gnomAD compares: South Asian, 0.03%; no homozygotes.

Submissions (2):

Ambry Genetics
Classification: Uncertain significance for Inborn genetic diseases. Last evaluated: 2023-03-27. Review status: criteria provided, single submitter. Criteria: Ambry Variant Classification Scheme 2023. Collection method: clinical testing. Allele origin: germline.

Labcorp Genetics (formerly Invitae), Labcorp
Classification: Uncertain significance. Last evaluated: 2021-12-24. Review status: criteria provided, single submitter. Criteria: Invitae Variant Classification Sherloc (09022015). Collection method: clinical testing. Allele origin: germline.
Comment: This variant is present in population databases (rs748672889, gnomAD 0.02%). This variant has not been reported in the literature in individuals affected with SYT2-related conditions. Algorithms developed to predict the effect of missense changes on protein structure and function (SIFT, PolyPhen-2, Align-GVGD) all suggest that this variant is likely to be tolerated. In summary, the available evidence is currently insufficient to determine the role of this variant in disease. Therefore, it has been classified as a Variant of Uncertain Significance. This sequence change replaces proline, which is neutral and non-polar, with serine, which is neutral and polar, at codon 11 of the SYT2 protein (p.Pro11Ser).

NM_177402.5(SYT2):c.31C>T (p.Pro11Ser)

Gene: SYT2 (synaptotagmin 2; minus strand). Cytogenetic location: 1q32.1.
Variant type: single nucleotide variant.
Coding change: c.31C>T on transcript NM_177402.5 (MANE Select); coding-DNA position 31, C replaced by T.
Protein change: p.Pro11Ser; replaces proline 11 with serine.
Molecular consequence: missense variant.
Genome position (GRCh38, 1-based): chr1:202,605,742, G>A on the plus strand (C>T on the coding strand, the complement: SYT2 is on the minus strand). VCF-style: chr1-202605742-G-A. GRCh37 (hg19) VCF-style: chr1-202574870-G-A.
Other names: c.31C>T, p.Pro11Ser (NM_001136504.1); short protein forms P11S.
Identifiers: ClinVar variation 1940792 (VCV001940792.7), dbSNP rs748672889, ClinGen allele CA1333881.